The following is an entry in ClinVar:

NM_000399.5(EGR2):c.151A>G (p.Met51Val)

Gene: EGR2 (early growth response 2; minus strand). Cytogenetic location: 10q21.3.
Variant type: single nucleotide variant.
Coding change: c.151A>G on transcript NM_000399.5 (MANE Select); coding-DNA position 151, A replaced by G.
Protein change: p.Met51Val; replaces methionine 51 with valine.
Molecular consequence: missense variant. On other transcripts: initiator codon variant (2).
Genome position (GRCh38, 1-based): chr10:62,815,879, T>C on the plus strand (A>G on the coding strand, the complement: EGR2 is on the minus strand). VCF-style: chr10-62815879-T-C. GRCh37 (hg19) VCF-style: chr10-64575639-T-C.
Other names: c.151A>G, p.Met51Val (NM_001136177.3, NM_001136178.2); c.1A>G, p.Met1Val (NM_001136179.3, NM_001321037.2); short protein forms M1V, M51V.
Identifiers: ClinVar variation 955672 (VCV000955672.9), dbSNP rs1842254660, ClinGen allele CA377034057.

ClinVar aggregate classification (germline): Uncertain significance (1 of 4 stars; one submission).

Conditions:
Charcot-Marie-Tooth disease, type I (CMT1). Also called: Charcot-Marie-Tooth, Type 1; Charcot-Marie-Tooth disease type 1. Identifiers: Orphanet 65753, MedGen C0751036, MONDO:0019011.

Allele frequency attached by ClinVar (database versions not stated): gnomAD exomes below 0.00001.

Submission:

Labcorp Genetics (formerly Invitae), Labcorp
Classification: Uncertain significance for Charcot-Marie-Tooth disease, type I. Last evaluated: 2021-01-12. Review status: criteria provided, single submitter. Criteria: Invitae Variant Classification Sherloc (09022015). Collection method: clinical testing. Allele origin: germline.
Comment: This variant is not present in population databases (ExAC no frequency). This sequence change replaces methionine with valine at codon 51 of the EGR2 protein (p.Met51Val). The methionine residue is moderately conserved and there is a small physicochemical difference between methionine and valine. This variant has not been reported in the literature in individuals with EGR2-related conditions. In summary, the available evidence is currently insufficient to determine the role of this variant in disease. Therefore, it has been classified as a Variant of Uncertain Significance. Algorithms developed to predict the effect of missense changes on protein structure and function (SIFT, PolyPhen-2, Align-GVGD) all suggest that this variant is likely to be tolerated, but these predictions have not been confirmed by published functional studies and their clinical significance is uncertain.